The following is an entry in ClinVar:

NM_001378328.1(CELSR1):c.7224G>T (p.Lys2408Asn)

Gene: CELSR1 (cadherin EGF LAG seven-pass G-type receptor 1; minus strand). Cytogenetic location: 22q13.31.
Variant type: single nucleotide variant.
Coding change: c.7224G>T on transcript NM_001378328.1 (MANE Select); coding-DNA position 7224, G replaced by T.
Protein change: p.Lys2408Asn; replaces lysine 2408 with asparagine.
Molecular consequence: missense variant.
Genome position (GRCh38, 1-based): chr22:46,380,820, C>A on the plus strand (G>T on the coding strand, the complement: CELSR1 is on the minus strand). VCF-style: chr22-46380820-C-A. GRCh37 (hg19) VCF-style: chr22-46776717-C-A.
Other names: c.7224G>T, p.Lys2408Asn (NM_014246.4); short protein forms K2408N.
Identifiers: ClinVar variation 420198 (VCV000420198.2), dbSNP rs150739858, ClinGen allele CA10293462.

ClinVar aggregate classification (germline): Uncertain significance (1 of 4 stars; one submission).

Allele frequency attached by ClinVar (database versions not stated): gnomAD exomes 0.00002 and 0.00006; ExAC 0.00003; TOPMed 0.00005; gnomAD 0.00006; ESP Exome Variant Server 0.00015.
gnomAD v4.1: 94 of 1,612,086 alleles (0.0058%); highest among the groups gnomAD compares: Non-Finnish European, 0.0077%; no homozygotes.

Submission:

GeneDx
Classification: Uncertain significance. Last evaluated: 2018-08-07. Review status: criteria provided, single submitter. Criteria: GeneDx Variant Classification (06012015). Collection method: clinical testing. Allele origin: germline. Affected: yes.
Comment: The K2408N variant in the CELSR1 gene has not been reported previously as a pathogenic variant, nor as a benign variant, to our knowledge. The K2408N variant was not observed with any significant frequency in approximately 6500 individuals of European and African American ancestry in the NHLBI Exome Sequencing Project, indicating it is not a common benign variant in these populations. The K2408N variant is a semi-conservative amino acid substitution, which may impact secondary protein structure as these residues differ in some properties. This substitution occurs at a position that is conserved across species. In silico analysis is inconsistent in its predictions as to whether or not the variant is damaging to the protein structure/function. Therefore, we interpret K2408N as a variant of uncertain significance.